The following is an entry in ClinVar:

NM_138691.3(TMC1):c.2260+5G>A

Gene: TMC1 (transmembrane channel like 1; plus strand). Cytogenetic location: 9q21.13.
Variant type: single nucleotide variant.
Coding change: c.2260+5G>A on transcript NM_138691.3 (MANE Select); 5 bases into the intron after coding-DNA position 2260, G replaced by A.
Molecular consequence: intron variant.
Genome position (GRCh38, 1-based): chr9:72,830,687, G>A. VCF-style: chr9-72830687-G-A. GRCh37 (hg19) VCF-style: chr9-75445603-G-A.
Other names: c.2260+5G>A (NM_138691.2).
Identifiers: ClinVar variation 2170318 (VCV002170318.5), dbSNP rs200734497, ClinGen allele CA5082207.

ClinVar aggregate classification (germline): Uncertain significance. Review status: criteria provided, multiple submitters, no conflicts (2 of 4 stars). 3 submissions from 3 submitters: Uncertain significance (3). Last evaluated 2026-03-31.

Conditions:
TMC1-related disorder. Also called: TMC1-related disorders; TMC1-related condition.

Allele frequency attached by ClinVar (database versions not stated): gnomAD 0.00009; ExAC 0.00011; gnomAD exomes 0.00012; TOPMed 0.00014; ESP Exome Variant Server 0.00015; 1000 Genomes Project 0.00040.
gnomAD v4.1: 200 of 1,610,158 alleles (0.012%); highest among the groups gnomAD compares: Middle Eastern, 0.17%; no homozygotes.

Submissions (3):

PreventionGenetics, part of Exact Sciences
Classification: Uncertain significance for TMC1-related condition. Last evaluated: 2026-03-31. Review status: criteria provided, single submitter. Criteria: ACMG Guidelines, 2015. Collection method: clinical testing. Allele origin: germline.
Comment: The TMC1 c.2260+5G>A variant is predicted to interfere with splicing. This variant is predicted to impact splicing based on available splicing prediction programs (SpliceAI, Jaganathan et al. 2019. PubMed ID: 30661751). To our knowledge, this variant has not been reported in the literature. This variant is reported in 0.039% of alleles in individuals of Ashkenazi Jewish descent in gnomAD. At this time, the clinical significance of this variant is uncertain due to the absence of conclusive functional and genetic evidence.

Labcorp Genetics (formerly Invitae), Labcorp
Classification: Uncertain significance. Last evaluated: 2025-12-02. Review status: criteria provided, single submitter. Criteria: Invitae Variant Classification Sherloc (09022015). Collection method: clinical testing. Allele origin: germline.
Comment: This sequence change falls in intron 23 of the TMC1 gene. It does not directly change the encoded amino acid sequence of the TMC1 protein. It affects a nucleotide within the consensus splice site. This variant is present in population databases (rs200734497, gnomAD 0.04%). This variant has not been reported in the literature in individuals affected with TMC1-related conditions. ClinVar contains an entry for this variant (Variation ID: 2170318). Variants that disrupt the consensus splice site are a relatively common cause of aberrant splicing (PMID: 17576681, 9536098). Algorithms developed to predict the effect of sequence changes on RNA splicing suggest that this variant may disrupt the consensus splice site. In summary, the available evidence is currently insufficient to determine the role of this variant in disease. Therefore, it has been classified as a Variant of Uncertain Significance.

Women's Health and Genetics/Laboratory Corporation of America, LabCorp
Classification: Uncertain significance. Last evaluated: 2025-09-03. Review status: criteria provided, single submitter. Criteria: LabCorp Variant Classification Summary - May 2015. Collection method: clinical testing. Allele origin: germline.
Comment: Variant summary: TMC1 c.2260+5G>A alters a nucleotide located close to a canonical splice site and therefore could affect mRNA splicing, leading to a significantly altered protein sequence. Several computational tools predict a significant impact on normal splicing: Two predict the variant abolishes a 5' splicing donor site. However, these predictions have yet to be confirmed by functional studies. The variant allele was found at a frequency of 0.00011 in 250892 control chromosomes. This frequency is not significantly higher than estimated for disease-causing variants in TMC1, allowing no conclusion about variant significance. c.2260+5G>A has been observed in one individual affected with hearing Loss (Alerasool_2024). The report does not provide unequivocal conclusions about association of the variant with Nonsyndromic Hearing Loss And Deafness, Type 7. To our knowledge, no experimental evidence demonstrating an impact on protein function has been reported. The following publication has been ascertained in the context of this evaluation (PMID: 39107234). ClinVar contains an entry for this variant (Variation ID: 2170318). Based on the evidence outlined above, the variant was classified as uncertain significance.

Literature cited by the submitters: PubMed 17576681 (cited by Labcorp Genetics (formerly Invitae), Labcorp); PubMed 9536098 (cited by Labcorp Genetics (formerly Invitae), Labcorp); PubMed 39107234 (cited by Women's Health and Genetics/Laboratory Corporation of America, LabCorp).